The following is an entry in ClinVar:

NM_005219.5(DIAPH1):c.1523A>G (p.Asp508Gly)

Gene: DIAPH1 (diaphanous related formin 1; minus strand). Cytogenetic location: 5q31.3.
Variant type: single nucleotide variant.
Coding change: c.1523A>G on transcript NM_005219.5 (MANE Select); coding-DNA position 1523, A replaced by G.
Protein change: p.Asp508Gly; replaces aspartic acid 508 with glycine.
Molecular consequence: missense variant.
Genome position (GRCh38, 1-based): chr5:141,575,085, T>C on the plus strand (A>G on the coding strand, the complement: DIAPH1 is on the minus strand). VCF-style: chr5-141575085-T-C. GRCh37 (hg19) VCF-style: chr5-140954652-T-C.
Other names: c.1496A>G, p.Asp499Gly (NM_001079812.3); c.1523A>G, p.Asp508Gly (NM_001314007.2); short protein forms D508G, D499G.
Identifiers: ClinVar variation 163073 (VCV000163073.18), dbSNP rs373413837, ClinGen allele CA175663.

ClinVar aggregate classification (germline): Benign/Likely benign. Review status: criteria provided, multiple submitters, no conflicts (2 of 4 stars). 4 submissions from 4 submitters: Benign (1); Likely benign (2). 1 of the submissions does not count toward it. Last evaluated 2025-12-15.

Conditions:
DIAPH1-related disorder. Also called: DIAPH1-related condition.
Autosomal dominant nonsyndromic hearing loss 1. Also called: DEAFNESS, AUTOSOMAL DOMINANT 1, WITH OR WITHOUT THROMBOCYTOPENIA; KONIGSMARK SYNDROME. Identifiers: Orphanet 90635, MedGen C1852282, MONDO:0007424, OMIM 124900.
Progressive microcephaly-seizures-cortical blindness-developmental delay syndrome. Also called: Seizures, cortical blindness, and microcephaly syndrome. Identifiers: Orphanet 477814, MedGen C5567650, MONDO:0014714, OMIM 616632.

Allele frequency attached by ClinVar (database versions not stated): gnomAD below 0.00001 and 0.00008; TOPMed 0.00003; gnomAD exomes 0.00014 and 0.00032; ExAC 0.00033; 1000 Genomes Project 30x 0.00047; 1000 Genomes Project 0.00060.
gnomAD v4.1: 210 of 1,614,200 alleles (0.013%); highest among the groups gnomAD compares: South Asian, 0.22%; 3 homozygotes.

Submissions (4):

Labcorp Genetics (formerly Invitae), Labcorp
Classification: Likely benign for Progressive microcephaly-seizures-cortical blindness-developmental delay syndrome; Autosomal dominant nonsyndromic hearing loss 1. Last evaluated: 2025-12-15. Review status: criteria provided, single submitter. Criteria: Invitae Variant Classification Sherloc (09022015). Collection method: clinical testing. Allele origin: germline.

Laboratory for Molecular Medicine, Mass General Brigham Personalized Medicine
Classification: Benign. Last evaluated: 2019-03-01. Review status: criteria provided, single submitter. Criteria: LMM Criteria. Collection method: clinical testing. Allele origin: germline. Observed: 2 variant alleles.
Comment: The p.Asp508Gly variant in DIAPH1 is classified as benign because it has been identified in 0.2% (79/30602) of South Asian chromosomes by gnomAD. ACMG/AMP Criteria applied: BA1.

Illumina Laboratory Services, Illumina
Classification: Likely benign for Autosomal dominant nonsyndromic hearing loss 1. Last evaluated: 2018-01-12. Review status: criteria provided, single submitter. Criteria: ICSL Variant Classification Criteria 13 December 2019. Collection method: clinical testing. Allele origin: germline.
Comment: This variant was observed in the ICSL laboratory as part of a predisposition screen in an ostensibly healthy population. It had not been previously curated by ICSL or reported in the Human Gene Mutation Database (HGMD: prior to June 1st, 2018), and was therefore a candidate for classification through an automated scoring system. Utilizing variant allele frequency, disease prevalence and penetrance estimates, and inheritance mode, an automated score was calculated to assess if this variant is too frequent to cause the disease. Based on the score and internal cut-off values, a variant classified as likely benign is not then subjected to further curation. The score for this variant resulted in a classification of likely benign for this disease.

PreventionGenetics, part of Exact Sciences
Classification: Likely benign for DIAPH1-related condition. Last evaluated: 2024-01-16. Review status: no assertion criteria provided. Collection method: clinical testing. Allele origin: germline. Not counted in ClinVar's aggregate classification.
Comment: This variant is classified as likely benign based on ACMG/AMP sequence variant interpretation guidelines (Richards et al. 2015 PMID: 25741868, with internal and published modifications).